The following is an entry in ClinVar:

ClinVar aggregate classification (germline): Uncertain significance. Review status: criteria provided, multiple submitters, no conflicts (2 of 4 stars). 2 submissions from 2 submitters: Uncertain significance (2). Last evaluated 2024-04-29.

Conditions:
Neurofibromatosis, type 2 (SWNV). Also called: BILATERAL ACOUSTIC NEUROFIBROMATOSIS; SCHWANNOMATOSIS, VESTIBULAR; NF2-Related Schwannomatosis. Identifiers: Orphanet 637, MedGen C0027832, MONDO:0007039, OMIM 101000. Disease mechanism: loss of function.
Hereditary cancer-predisposing syndrome. Also called: Hereditary neoplastic syndrome; Hereditary Cancer Syndrome; Tumor predisposition; Neoplastic Syndromes, Hereditary. Identifiers: Orphanet 140162, MedGen C0027672, MeSH D009386, MONDO:0015356.

Submissions (2):

Labcorp Genetics (formerly Invitae), Labcorp
Classification: Uncertain significance for Neurofibromatosis, type 2. Last evaluated: 2024-04-29. Review status: criteria provided, single submitter. Criteria: Invitae Variant Classification Sherloc (09022015). Collection method: clinical testing. Allele origin: germline.
Comment: This sequence change replaces glutamine, which is neutral and polar, with arginine, which is basic and polar, at codon 407 of the NF2 protein (p.Gln407Arg). This variant is not present in population databases (gnomAD no frequency). This variant has not been reported in the literature in individuals affected with NF2-related conditions. ClinVar contains an entry for this variant (Variation ID: 2453825). Advanced modeling of protein sequence and biophysical properties (such as structural, functional, and spatial information, amino acid conservation, physicochemical variation, residue mobility, and thermodynamic stability) performed at Invitae indicates that this missense variant is not expected to disrupt NF2 protein function with a negative predictive value of 80%. In summary, the available evidence is currently insufficient to determine the role of this variant in disease. Therefore, it has been classified as a Variant of Uncertain Significance.

Ambry Genetics
Classification: Uncertain significance for Hereditary cancer-predisposing syndrome. Last evaluated: 2022-12-17. Review status: criteria provided, single submitter. Criteria: Ambry Variant Classification Scheme 2023. Collection method: clinical testing. Allele origin: germline.
Comment: The p.Q407R variant (also known as c.1220A>G), located in coding exon 12 of the NF2 gene, results from an A to G substitution at nucleotide position 1220. The glutamine at codon 407 is replaced by arginine, an amino acid with highly similar properties. This amino acid position is conserved. In addition, the in silico prediction for this alteration is inconclusive. Since supporting evidence is limited at this time, the clinical significance of this alteration remains unclear.

NM_000268.4(NF2):c.1220A>G (p.Gln407Arg)

Gene: NF2 (NF2, moesin-ezrin-radixin like (MERLIN) tumor suppressor; plus strand). Cytogenetic location: 22q12.2.
Variant type: single nucleotide variant.
Coding change: c.1220A>G on transcript NM_000268.4 (MANE Select); coding-DNA position 1220, A replaced by G.
Protein change: p.Gln407Arg; replaces glutamine 407 with arginine.
Molecular consequence: missense variant. On other transcripts: intron variant (1).
Genome position (GRCh38, 1-based): chr22:29,673,366, A>G. VCF-style: chr22-29673366-A-G. GRCh37 (hg19) VCF-style: chr22-30069355-A-G.
Other names: c.1106A>G, p.Gln369Arg (NM_001407053.1, NM_001407056.1); c.1097A>G, p.Gln366Arg (NM_001407054.1, NM_001407058.1, NM_181829.3); c.1094A>G, p.Gln365Arg (NM_001407055.1, NM_181828.3); c.1085A>G, p.Gln362Arg (NM_001407057.1, NM_001407059.1); c.1220A>G, p.Gln407Arg (NM_001407060.1, NM_001407066.1, NM_016418.5 and 2 more transcripts); c.962A>G, p.Gln321Arg (NM_001407062.1); c.971A>G, p.Gln324Arg (NM_001407063.1, NM_001407064.1, NM_181830.3 and 1 more transcripts); c.686A>G, p.Gln229Arg (NM_001407065.1); and 2 more; short protein forms Q324R, Q365R, Q366R, Q321R, Q330R, Q362R, Q369R, Q229R.
Identifiers: ClinVar variation 2453825 (VCV002453825.4), dbSNP rs2518680423, ClinGen allele CA411148209.